The following is an entry in ClinVar:

NM_019066.5(MAGEL2):c.2225G>A (p.Arg742His)

Gene: MAGEL2 (MAGE family member L2; minus strand). Cytogenetic location: 15q11.2.
Variant type: single nucleotide variant.
Coding change: c.2225G>A on transcript NM_019066.5 (MANE Select); coding-DNA position 2225, G replaced by A.
Protein change: p.Arg742His; replaces arginine 742 with histidine.
Molecular consequence: missense variant.
Genome position (GRCh38, 1-based): chr15:23,645,518, C>T on the plus strand (G>A on the coding strand, the complement: MAGEL2 is on the minus strand). VCF-style: chr15-23645518-C-T. GRCh37 (hg19) VCF-style: chr15-23890665-C-T.
Other names: short protein forms R742H.
Identifiers: ClinVar variation 4763020 (VCV004763020.1).

ClinVar aggregate classification (germline): Uncertain significance (1 of 4 stars; one submission).

Submission:

Labcorp Genetics (formerly Invitae), Labcorp
Classification: Uncertain significance. Last evaluated: 2025-06-24. Review status: criteria provided, single submitter. Criteria: Invitae Variant Classification Sherloc (09022015). Collection method: clinical testing. Allele origin: germline.
Comment: This sequence change replaces arginine, which is basic and polar, with histidine, which is basic and polar, at codon 742 of the MAGEL2 protein (p.Arg742His). This variant is present in population databases (no rsID available, gnomAD 0.01%). This variant has not been reported in the literature in individuals affected with MAGEL2-related conditions. Invitae Evidence Modeling of protein sequence and biophysical properties (such as structural, functional, and spatial information, amino acid conservation, physicochemical variation, residue mobility, and thermodynamic stability) indicates that this missense variant is not expected to disrupt MAGEL2 protein function with a negative predictive value of 80%. In summary, the available evidence is currently insufficient to determine the role of this variant in disease. Therefore, it has been classified as a Variant of Uncertain Significance.